The following is an entry in ClinVar:

ClinVar aggregate classification (germline): Uncertain significance (1 of 4 stars; one submission).

gnomAD v4.1: 6 of 1,577,178 alleles (0.00038%); highest among the groups gnomAD compares: East Asian, 0.009%; no homozygotes.

Submission:

Ambry Genetics
Classification: Uncertain significance. Last evaluated: 2026-03-07. Review status: criteria provided, single submitter. Criteria: Ambry Variant Classification Scheme 2023. Collection method: clinical testing. Allele origin: germline.
Comment: The p.A264E variant (also known as c.791C>A), located in coding exon 8 of the NEBL gene, results from a C to A substitution at nucleotide position 791. The alanine at codon 264 is replaced by glutamic acid, an amino acid with dissimilar properties. This amino acid position is conserved. In addition, this alteration is predicted to be tolerated by in silico analysis. Based on the available evidence, the clinical significance of this variant remains unclear.

NM_006393.3(NEBL):c.791C>A (p.Ala264Glu)

Gene: NEBL (nebulette; minus strand). Cytogenetic location: 10p12.31.
Variant type: single nucleotide variant.
Coding change: c.791C>A on transcript NM_006393.3 (MANE Select); coding-DNA position 791, C replaced by A.
Protein change: p.Ala264Glu; replaces alanine 264 with glutamic acid.
Molecular consequence: missense variant. On other transcripts: intron variant (9).
Genome position (GRCh38, 1-based): chr10:20,859,720, G>T on the plus strand (C>A on the coding strand, the complement: NEBL is on the minus strand). VCF-style: chr10-20859720-G-T. GRCh37 (hg19) VCF-style: chr10-21148649-G-T.
Other names: c.250-46780C>A (NM_001377326.1, NM_001377327.1, NM_001377328.1); c.358-46780C>A (NM_213569.2, NM_001173484.2, NM_001377322.1); c.301-46780C>A (NM_001377324.1); c.292-46780C>A (NM_001377325.1); c.310-46780C>A (NM_001377323.1); short protein forms A264E.
Identifiers: ClinVar variation 4844962 (VCV004844962.1).